The following is an entry in ClinVar:

ClinVar aggregate classification (germline): Uncertain significance (1 of 4 stars; one submission).

Conditions:
Huntington disease-like 1 (HDL1). Also called: HUNTINGTON-LIKE NEURODEGENERATIVE DISORDER 1; HUNTINGTON-LIKE NEURODEGENERATIVE DISORDER, AUTOSOMAL DOMINANT; PRION DISEASE, EARLY-ONSET, WITH PROMINENT PSYCHIATRIC FEATURES. Identifiers: Orphanet 157941, MedGen C1864112, MONDO:0011299, OMIM 603218.

Submission:

Labcorp Genetics (formerly Invitae), Labcorp
Classification: Uncertain significance for Huntington disease-like 1. Last evaluated: 2025-10-09. Review status: criteria provided, single submitter. Criteria: Invitae Variant Classification Sherloc (09022015). Collection method: clinical testing. Allele origin: germline.
Comment: This sequence change replaces threonine, which is neutral and polar, with isoleucine, which is neutral and non-polar, at codon 107 of the PRNP protein (p.Thr107Ile). This variant is not present in population databases (gnomAD no frequency). This variant has not been reported in the literature in individuals affected with PRNP-related conditions. Invitae Evidence Modeling of protein sequence and biophysical properties (such as structural, functional, and spatial information, amino acid conservation, physicochemical variation, residue mobility, and thermodynamic stability) indicates that this missense variant is not expected to disrupt PRNP protein function with a negative predictive value of 80%. In summary, the available evidence is currently insufficient to determine the role of this variant in disease. Therefore, it has been classified as a Variant of Uncertain Significance.

NM_000311.5(PRNP):c.320C>T (p.Thr107Ile)

Gene: PRNP (prion protein (Kanno blood group); plus strand). Cytogenetic location: 20p13.
Variant type: single nucleotide variant.
Coding change: c.320C>T on transcript NM_000311.5 (MANE Select); coding-DNA position 320, C replaced by T.
Protein change: p.Thr107Ile; replaces threonine 107 with isoleucine.
Molecular consequence: missense variant. On other transcripts: 3 prime UTR variant (1).
Genome position (GRCh38, 1-based): chr20:4,699,540, C>T. VCF-style: chr20-4699540-C-T. GRCh37 (hg19) VCF-style: chr20-4680186-C-T.
Other names: c.320C>T, p.Thr107Ile (NM_001080121.3, NM_001080122.3, NM_001080123.3 and 1 more transcripts); c.*9C>T (NM_001271561.3); short protein forms T107I.
Identifiers: ClinVar variation 4766935 (VCV004766935.1).